The following is an entry in ClinVar:

ClinVar aggregate classification (germline): Uncertain significance (1 of 4 stars; one submission).

Conditions:
Compton-North congenital myopathy (CMYO12). Identifiers: Orphanet 210163, MedGen C2675527, MONDO:0012929, OMIM 612540.

Submission:

Labcorp Genetics (formerly Invitae), Labcorp
Classification: Uncertain significance for Compton-North congenital myopathy. Last evaluated: 2022-03-03. Review status: criteria provided, single submitter. Criteria: Invitae Variant Classification Sherloc (09022015). Collection method: clinical testing. Allele origin: germline.
Comment: In summary, the available evidence is currently insufficient to determine the role of this variant in disease. Therefore, it has been classified as a Variant of Uncertain Significance. Algorithms developed to predict the effect of sequence changes on RNA splicing suggest that this variant may create or strengthen a splice site. Advanced modeling of protein sequence and biophysical properties (such as structural, functional, and spatial information, amino acid conservation, physicochemical variation, residue mobility, and thermodynamic stability) performed at Invitae indicates that this missense variant is not expected to disrupt CNTN1 protein function. ClinVar contains an entry for this variant (Variation ID: 947397). This variant has not been reported in the literature in individuals affected with CNTN1-related conditions. This variant is not present in population databases (gnomAD no frequency). This sequence change replaces methionine, which is neutral and non-polar, with valine, which is neutral and non-polar, at codon 417 of the CNTN1 protein (p.Met417Val).

NM_001843.4(CNTN1):c.1249A>G (p.Met417Val)

Gene: CNTN1 (contactin 1; plus strand). Cytogenetic location: 12q12.
Variant type: single nucleotide variant.
Coding change: c.1249A>G on transcript NM_001843.4 (MANE Select); coding-DNA position 1249, A replaced by G.
Protein change: p.Met417Val; replaces methionine 417 with valine.
Molecular consequence: missense variant.
Genome position (GRCh38, 1-based): chr12:40,939,355, A>G. VCF-style: chr12-40939355-A-G. GRCh37 (hg19) VCF-style: chr12-41333157-A-G.
Other names: c.1249A>G, p.Met417Val (NM_001256063.2, NM_001256064.2); c.1216A>G, p.Met406Val (NM_175038.2); short protein forms M417V, M406V.
Identifiers: ClinVar variation 947397 (VCV000947397.10), dbSNP rs1946186464, ClinGen allele CA384424190.